The following is an entry in ClinVar:

ClinVar aggregate classification (germline): Uncertain significance (1 of 4 stars; one submission).

Conditions:
Bloom syndrome (BLM). Also called: Bloom-Torre-Machacek syndrome. Identifiers: Orphanet 125, MedGen C0005859, MONDO:0008876, OMIM 210900.

Submission:

Labcorp Genetics (formerly Invitae), Labcorp
Classification: Uncertain significance for Bloom syndrome. Last evaluated: 2022-12-31. Review status: criteria provided, single submitter. Criteria: Invitae Variant Classification Sherloc (09022015). Collection method: clinical testing. Allele origin: germline.
Comment: Advanced modeling of protein sequence and biophysical properties (such as structural, functional, and spatial information, amino acid conservation, physicochemical variation, residue mobility, and thermodynamic stability) performed at Invitae indicates that this missense variant is not expected to disrupt BLM protein function. ClinVar contains an entry for this variant (Variation ID: 1719134). This variant has not been reported in the literature in individuals affected with BLM-related conditions. This variant is not present in population databases (gnomAD no frequency). In summary, the available evidence is currently insufficient to determine the role of this variant in disease. Therefore, it has been classified as a Variant of Uncertain Significance. This sequence change replaces phenylalanine, which is neutral and non-polar, with leucine, which is neutral and non-polar, at codon 1045 of the BLM protein (p.Phe1045Leu).

NM_000057.4(BLM):c.3135T>G (p.Phe1045Leu)

Gene: BLM (BLM RecQ like helicase; plus strand). Cytogenetic location: 15q26.1.
Variant type: single nucleotide variant.
Coding change: c.3135T>G on transcript NM_000057.4 (MANE Select); coding-DNA position 3135, T replaced by G.
Protein change: p.Phe1045Leu; replaces phenylalanine 1045 with leucine.
Molecular consequence: missense variant.
Genome position (GRCh38, 1-based): chr15:90,794,282, T>G. VCF-style: chr15-90794282-T-G. GRCh37 (hg19) VCF-style: chr15-91337512-T-G.
Other names: c.3135T>G, p.Phe1045Leu (NM_001287246.2, NM_001287247.2); c.2010T>G, p.Phe670Leu (NM_001287248.2); short protein forms F1045L, F670L.
Identifiers: ClinVar variation 1719134 (VCV001719134.6), dbSNP rs1596260013, ClinGen allele CA393846911.